The following is an entry in ClinVar:

ClinVar aggregate classification (germline): Uncertain significance (1 of 4 stars; one submission).

Conditions:
Perlman syndrome (PRLMNS). Identifiers: Orphanet 2849, MedGen C0796113, MONDO:0009965, OMIM 267000.

Allele frequency attached by ClinVar (database versions not stated): TOPMed below 0.00001; gnomAD 0.00001.
gnomAD v4.1: 2 of 1,614,030 alleles (0.00012%); highest among the groups gnomAD compares: African/African-American, 0.0027%; no homozygotes.

Submission:

Labcorp Genetics (formerly Invitae), Labcorp
Classification: Uncertain significance for Perlman syndrome. Last evaluated: 2025-01-19. Review status: criteria provided, single submitter. Criteria: Invitae Variant Classification Sherloc (09022015). Collection method: clinical testing. Allele origin: germline.
Comment: This sequence change replaces glutamic acid, which is acidic and polar, with lysine, which is basic and polar, at codon 350 of the DIS3L2 protein (p.Glu350Lys). This variant is present in population databases (no rsID available, gnomAD 0.008%). This variant has not been reported in the literature in individuals affected with DIS3L2-related conditions. ClinVar contains an entry for this variant (Variation ID: 2730140). Invitae Evidence Modeling of protein sequence and biophysical properties (such as structural, functional, and spatial information, amino acid conservation, physicochemical variation, residue mobility, and thermodynamic stability) indicates that this missense variant is not expected to disrupt DIS3L2 protein function with a negative predictive value of 80%. In summary, the available evidence is currently insufficient to determine the role of this variant in disease. Therefore, it has been classified as a Variant of Uncertain Significance.

NM_152383.5(DIS3L2):c.1048G>A (p.Glu350Lys)

Gene: DIS3L2 (DIS3 like 3'-5' exoribonuclease 2; plus strand). Cytogenetic location: 2q37.1.
Variant type: single nucleotide variant.
Coding change: c.1048G>A on transcript NM_152383.5 (MANE Select); coding-DNA position 1048, G replaced by A.
Protein change: p.Glu350Lys; replaces glutamic acid 350 with lysine.
Molecular consequence: missense variant. On other transcripts: non-coding transcript variant (2).
Genome position (GRCh38, 1-based): chr2:232,163,556, G>A. VCF-style: chr2-232163556-G-A. GRCh37 (hg19) VCF-style: chr2-233028266-G-A.
Other names: c.1048G>A, p.Glu350Lys (NM_001257281.2); short protein forms E350K.
Identifiers: ClinVar variation 2730140 (VCV002730140.3), dbSNP rs1223542778, ClinGen allele CA351154366.